The following is an entry in ClinVar:

NM_007272.3(CTRC):c.286G>A (p.Glu96Lys)

Gene: CTRC (chymotrypsin C; plus strand). Cytogenetic location: 1p36.21.
Variant type: single nucleotide variant.
Coding change: c.286G>A on transcript NM_007272.3 (MANE Select); coding-DNA position 286, G replaced by A.
Protein change: p.Glu96Lys; replaces glutamic acid 96 with lysine.
Molecular consequence: missense variant.
Genome position (GRCh38, 1-based): chr1:15,442,502, G>A. VCF-style: chr1-15442502-G-A. GRCh37 (hg19) VCF-style: chr1-15768998-G-A.
Other names: short protein forms E96K.
Identifiers: ClinVar variation 240764 (VCV000240764.20), dbSNP rs144286923, ClinGen allele CA613308.
Genomic context (GRCh38, chr1:15,442,502, plus strand): 5'-CCCAGCAACACCCGGACCTACCGTGTGGCCGTGGGAAAGAACAACCTGGAGGTGGAAGAC[G>A]AAGAAGGATCCCTGTTTGTGGGTGTGGACACCATCCACGTCCACAAGAGATGGAATGCCC-3'
Protein context (NP_009203.2, residues 86-106): VGKNNLEVED[Glu96Lys]EGSLFVGVDT

ClinVar aggregate classification (germline): Uncertain significance. Review status: criteria provided, multiple submitters, no conflicts (2 of 4 stars). 4 submissions from 4 submitters: Uncertain significance (4). Last evaluated 2025-07-16.

Conditions:
Hereditary pancreatitis (PCTT). Also called: Hereditary chronic pancreatitis; PRSS1-Related Hereditary Pancreatitis. Identifiers: Orphanet 676, MedGen C0238339, MONDO:0008185, OMIM 167800.

Allele frequency attached by ClinVar (database versions not stated): ExAC 0.00003; gnomAD 0.00004 and 0.00005; gnomAD exomes 0.00004; 1000 Genomes Project 30x 0.00016; 1000 Genomes Project 0.00020.

Submissions (4):

Labcorp Genetics (formerly Invitae), Labcorp
Classification: Uncertain significance for Hereditary pancreatitis. Last evaluated: 2025-07-16. Review status: criteria provided, single submitter. Criteria: Invitae Variant Classification Sherloc (09022015). Collection method: clinical testing. Allele origin: germline.
Comment: This sequence change replaces glutamic acid, which is acidic and polar, with lysine, which is basic and polar, at codon 96 of the CTRC protein (p.Glu96Lys). This variant is present in population databases (rs144286923, gnomAD 0.006%). This variant has not been reported in the literature in individuals affected with CTRC-related conditions. ClinVar contains an entry for this variant (Variation ID: 240764). Invitae Evidence Modeling of protein sequence and biophysical properties (such as structural, functional, and spatial information, amino acid conservation, physicochemical variation, residue mobility, and thermodynamic stability) has been performed for this missense variant. However, the output from this modeling did not meet the statistical confidence thresholds required to predict the impact of this variant on CTRC protein function. In summary, the available evidence is currently insufficient to determine the role of this variant in disease. Therefore, it has been classified as a Variant of Uncertain Significance.

Ambry Genetics
Classification: Uncertain significance for Hereditary pancreatitis. Last evaluated: 2024-12-10. Review status: criteria provided, single submitter. Criteria: Ambry Variant Classification Scheme 2023. Collection method: clinical testing. Allele origin: germline.

ARUP Laboratories, Molecular Genetics and Genomics, ARUP Laboratories
Classification: Uncertain significance. Last evaluated: 2018-02-20. Review status: criteria provided, single submitter. Criteria: ARUP Molecular Germline Variant Investigation Process. Collection method: clinical testing. Allele origin: germline.
Comment: The CTRC c.286G>A; p.Glu96Lys variant (rs144286923), to our knowledge, is not reported in the medical literature or in gene-specific databases. This variant is reported in ClinVar (Variation ID: 240764) and is seen in the general population at a low overall frequency of 0.004% (10/277112 alleles) in the Genome Aggregation Database. The glutamic acid at codon 96 is moderately conserved and computational algorithms (SIFT: Tolerated; 0.13, PolyPhen2: Probably damaging; 0.944) predict conflicting effects of this variant on protein structure/function. Given the lack of clinical and functional data regarding this variant, its clinical significance cannot be determined with certainty.

Breakthrough Genomics
Classification: Uncertain significance. Review status: criteria provided, single submitter. Criteria: ACMG Guidelines, 2015. Collection method: not provided. Allele origin: germline. Inheritance: Autosomal dominant inheritance. Affected: yes.